The following is an entry in ClinVar:

NM_022482.5(GZF1):c.1207G>A (p.Gly403Ser)

Gene: GZF1 (GDNF inducible zinc finger protein 1; plus strand). Cytogenetic location: 20p11.21.
Variant type: single nucleotide variant.
Coding change: c.1207G>A on transcript NM_022482.5 (MANE Select); coding-DNA position 1207, G replaced by A.
Protein change: p.Gly403Ser; replaces glycine 403 with serine.
Molecular consequence: missense variant.
Genome position (GRCh38, 1-based): chr20:23,365,590, G>A. VCF-style: chr20-23365590-G-A. GRCh37 (hg19) VCF-style: chr20-23346227-G-A.
Other names: c.1207G>A, p.Gly403Ser (NM_001317012.2, NM_001317019.1); short protein forms G403S.
Identifiers: ClinVar variation 1923744 (VCV001923744.5), dbSNP rs1279388629, ClinGen allele CA408411289.
Genomic context (GRCh38, chr20:23,365,590, plus strand): 5'-GGGAAGAAGTTCAAGCGCAAGAAGGACGTGAAGCGGCACGTGCTGCAGGTGCATGAGGGC[G>A]GCGGCGAGCGGCACCGCTGCGGCCAGTGCGGCAAGGGCCTGAGTTCCAAGACAGCGCTGC-3'
Protein context (NP_071927.1, residues 393-413): KRHVLQVHEG[Gly403Ser]GERHRCGQCG

ClinVar aggregate classification (germline): Uncertain significance (1 of 4 stars; one submission).

Submission:

Labcorp Genetics (formerly Invitae), Labcorp
Classification: Uncertain significance. Last evaluated: 2023-12-06. Review status: criteria provided, single submitter. Criteria: Invitae Variant Classification Sherloc (09022015). Collection method: clinical testing. Allele origin: germline.
Comment: This sequence change replaces glycine, which is neutral and non-polar, with serine, which is neutral and polar, at codon 403 of the GZF1 protein (p.Gly403Ser). This variant is not present in population databases (gnomAD no frequency). This variant has not been reported in the literature in individuals affected with GZF1-related conditions. ClinVar contains an entry for this variant (Variation ID: 1923744). An algorithm developed to predict the effect of missense changes on protein structure and function (PolyPhen-2) suggests that this variant is likely to be disruptive. In summary, the available evidence is currently insufficient to determine the role of this variant in disease. Therefore, it has been classified as a Variant of Uncertain Significance.